The following is an entry in ClinVar:

ClinVar aggregate classification (germline): Uncertain significance (1 of 4 stars; one submission).

Conditions:
Familial thoracic aortic aneurysm and aortic dissection (TAAD). Also called: Thoracic aortic aneurysms and dissections. Identifiers: Orphanet 91387, MedGen C4707243, MONDO:0019625.

Allele frequency attached by ClinVar (database versions not stated): TOPMed below 0.00001; gnomAD exomes 0.00001.
gnomAD v4.1: 12 of 1,614,140 alleles (0.00074%); highest among the groups gnomAD compares: Non-Finnish European, 0.00093%; no homozygotes.

Submission:

Ambry Genetics
Classification: Uncertain significance for Familial thoracic aortic aneurysm and aortic dissection. Last evaluated: 2023-02-18. Review status: criteria provided, single submitter. Criteria: Ambry Variant Classification Scheme 2023. Collection method: clinical testing. Allele origin: germline.
Comment: The p.T661I variant (also known as c.1982C>T), located in coding exon 18 of the PLOD1 gene, results from a C to T substitution at nucleotide position 1982. The threonine at codon 661 is replaced by isoleucine, an amino acid with similar properties. This amino acid position is conserved. In addition, this alteration is predicted to be deleterious by in silico analysis. Since supporting evidence is limited at this time, the clinical significance of this alteration remains unclear.

NM_000302.4(PLOD1):c.1982C>T (p.Thr661Ile)

Gene: PLOD1 (procollagen-lysine,2-oxoglutarate 5-dioxygenase 1; plus strand). Cytogenetic location: 1p36.22.
Variant type: single nucleotide variant.
Coding change: c.1982C>T on transcript NM_000302.4 (MANE Select); coding-DNA position 1982, C replaced by T.
Protein change: p.Thr661Ile; replaces threonine 661 with isoleucine.
Molecular consequence: missense variant.
Genome position (GRCh38, 1-based): chr1:11,972,951, C>T. VCF-style: chr1-11972951-C-T. GRCh37 (hg19) VCF-style: chr1-12033008-C-T.
Other names: c.2123C>T, p.Thr708Ile (NM_001316320.2); short protein forms T708I, T661I.
Identifiers: ClinVar variation 2450254 (VCV002450254.2), dbSNP rs1216050978, ClinGen allele CA338452417.